The following is an entry in ClinVar:

ClinVar aggregate classification (germline): Uncertain significance (1 of 4 stars; one submission).

Submission:

Labcorp Genetics (formerly Invitae), Labcorp
Classification: Uncertain significance. Last evaluated: 2021-05-20. Review status: criteria provided, single submitter. Criteria: Invitae Variant Classification Sherloc (09022015). Collection method: clinical testing. Allele origin: germline.
Comment: In summary, the available evidence is currently insufficient to determine the role of this variant in disease. Therefore, it has been classified as a Variant of Uncertain Significance. Experimental studies and prediction algorithms are not available or were not evaluated, and the functional significance of this variant is currently unknown. This variant has not been reported in the literature in individuals with LEMD3-related conditions. This variant is not present in population databases (ExAC no frequency). This variant, c.2545_2547dup, results in the insertion of 1 amino acid(s) to the LEMD3 protein (p.Lys849dup), but otherwise preserves the integrity of the reading frame.

NM_014319.5(LEMD3):c.2545_2547dup (p.Lys849dup)

Gene: LEMD3 (LEM domain containing 3; plus strand). Cytogenetic location: 12q14.3.
Variant type: Duplication.
Coding change: c.2545_2547dup on transcript NM_014319.5 (MANE Select); coding-DNA positions 2545 to 2547, 3 bases duplicated (AAA; older notation c.2545_2547dupAAA).
Protein change: p.Lys849dup; duplicates lysine 849.
Molecular consequence: inframe insertion.
Genome position (GRCh38, 1-based): chr12:65,245,912-65,245,914, AAA duplicated. VCF-style (leftmost placement, unchanged base first): chr12-65245911-T-TAAA. GRCh37 (hg19) VCF-style: chr12-65639691-T-TAAA.
Other names: c.2542_2544dup, p.Lys848dup (NM_001167614.2).
Identifiers: ClinVar variation 1355626 (VCV001355626.8), dbSNP rs2136358792, ClinGen allele CA2573148983.